The following is an entry in ClinVar:

NM_024120.5(NDUFAF5):c.617C>T (p.Thr206Met)

Gene: NDUFAF5 (NADH:ubiquinone oxidoreductase complex assembly factor 5; plus strand). Cytogenetic location: 20p12.1.
Variant type: single nucleotide variant.
Coding change: c.617C>T on transcript NM_024120.5 (MANE Select); coding-DNA position 617, C replaced by T.
Protein change: p.Thr206Met; replaces threonine 206 with methionine.
Molecular consequence: missense variant. On other transcripts: non-coding transcript variant (7).
Genome position (GRCh38, 1-based): chr20:13,801,583, C>T. VCF-style: chr20-13801583-C-T. GRCh37 (hg19) VCF-style: chr20-13782229-C-T.
Other names: c.617C>T (NM_024120.4); c.533C>T, p.Thr178Met (NM_001039375.3); c.146C>T, p.Thr49Met (NM_001352403.2); c.56C>T, p.Thr19Met (NM_001352406.2, NM_001352407.2); c.617C>T, p.Thr206Met (NM_001352408.2); short protein forms T178M, T19M, T206M, T49M.
Identifiers: ClinVar variation 991370 (VCV000991370.8), dbSNP rs141758325, ClinGen allele CA9767826.

ClinVar aggregate classification (germline): Conflicting classifications of pathogenicity. Review status: criteria provided, conflicting classifications (1 of 4 stars). 6 submissions from 6 submitters: Uncertain significance (3); Likely benign (2). 1 of the submissions does not count toward it. Last evaluated 2025-12-29.

Conditions:
Inborn genetic diseases. Identifiers: MedGen C0950123, MeSH D030342.
Mitochondrial complex I deficiency, nuclear type 16. Also called: Mitochondrial complex 1 deficiency, nuclear type 16. Identifiers: MedGen C4748785, MONDO:0032621, OMIM 618238.
Leigh syndrome (NULS). Also called: Leigh's syndrome; Leigh Syndrome (mtDNA deletion); Leigh Disease; Subacute necrotizing encephalopathy; Necrotizing encephalopathy infantile subacute of Leigh; LEIGH SYNDROME, NUCLEAR. Identifiers: Orphanet 506, MedGen C2931891, MONDO:0009723, OMIM 256000.

Allele frequency attached by ClinVar (database versions not stated): gnomAD 0.00003 and 0.00004; ESP Exome Variant Server 0.00008; TOPMed 0.00021; 1000 Genomes Project 0.00040; 1000 Genomes Project 30x 0.00047.
gnomAD v4.1: 64 of 1,613,950 alleles (0.004%); highest among the groups gnomAD compares: East Asian, 0.098%; no homozygotes.

Submissions (6):

Labcorp Genetics (formerly Invitae), Labcorp
Classification: Likely benign. Last evaluated: 2025-12-29. Review status: criteria provided, single submitter. Criteria: Invitae Variant Classification Sherloc (09022015). Collection method: clinical testing. Allele origin: germline.

GeneDx
Classification: Uncertain significance. Last evaluated: 2025-02-04. Review status: criteria provided, single submitter. Criteria: GeneDx Variant Classification Process June 2021. Collection method: clinical testing. Allele origin: germline. Affected: yes.
Comment: In silico analysis indicates that this missense variant does not alter protein structure/function; Has not been previously published as pathogenic or benign to our knowledge

3billion
Classification: Likely benign for Mitochondrial complex I deficiency, nuclear type 16. Last evaluated: 2024-09-20. Review status: criteria provided, single submitter. Criteria: ACMG Guidelines, 2015. Collection method: clinical testing. Allele origin: germline. Affected: no.
Comment: The homozygous variant was found in patients diagnosed with another variant in a different gene, with no symptoms related to the gene containing the homozygous variant.

Ambry Genetics
Classification: Uncertain significance for Inborn genetic diseases. Last evaluated: 2022-06-24. Review status: criteria provided, single submitter. Criteria: Ambry Variant Classification Scheme 2023. Collection method: clinical testing. Allele origin: germline.

Fulgent Genetics
Classification: Uncertain significance for Mitochondrial complex I deficiency, nuclear type 16. Last evaluated: 2022-03-16. Review status: criteria provided, single submitter. Criteria: ACMG Guidelines, 2015. Collection method: clinical testing. Allele origin: unknown.

Natera, Inc.
Classification: Uncertain significance for Leigh syndrome. Last evaluated: 2020-05-25. Review status: no assertion criteria provided. Collection method: clinical testing. Allele origin: germline. Not counted in ClinVar's aggregate classification.